The following is an entry in ClinVar:

ClinVar aggregate classification (germline): Pathogenic. Review status: reviewed by expert panel (3 of 4 stars). 2 submissions from 2 submitters: Pathogenic (1). 1 of the submissions does not count toward it. Last evaluated 2016-09-08.

Conditions:
Breast-ovarian cancer, familial, susceptibility to, 2 (BROVCA2). Also called: BRCA2 Hereditary Breast and Ovarian Cancer. Identifiers: Orphanet 145, MedGen C2675520, MONDO:0012933, OMIM 612555. Disease mechanism: loss of function.
Familial cancer of breast. Also called: BREAST CANCER, FAMILIAL; hereditary breast carcinoma; Hereditary breast cancer. Identifiers: Orphanet 227535, MedGen C0346153, MONDO:0016419, OMIM 114480. Disease mechanism: loss of function.

Submissions (2):

Evidence-based Network for the Interpretation of Germline Mutant Alleles (ENIGMA)
Classification: Pathogenic for Breast-ovarian cancer, familial, susceptibility to, 2. Last evaluated: 2016-09-08. Review status: reviewed by expert panel. Criteria: ENIGMA BRCA1/2 Classification Criteria (2015). Collection method: curation. Allele origin: germline.
Comment: Variant allele predicted to encode a truncated non-functional protein.

Faculty of Pharmacy, Ain Shams University
Classification: Pathogenic for Familial Breast cancer. Last evaluated: 2013-01-12. Review status: no assertion criteria provided. Collection method: clinical testing. Allele origin: germline. Inheritance: Autosomal dominant inheritance. Affected: yes. Observed: 6 variant alleles. Not counted in ClinVar's aggregate classification.
Comment: This insertion results in frameshift and termination of BRCA2 protein translation at codon 275. A previously described mutation (c.755_758delACAG) is reported in BIC database in several populations creates a stopcodon in the same position and is reported to be of clinical significance.

Determine the profile of BRCA1/2 mutations in Egyptian female breast cancer patients

NM_000059.4(BRCA2):c.787dup (p.Ser263fs)

Gene: BRCA2 (BRCA2 DNA repair associated; plus strand). Cytogenetic location: 13q13.1.
Variant type: Duplication.
Coding change: c.787dup on transcript NM_000059.4 (MANE Select); coding-DNA position 787, one base duplicated (A; older notation c.787dupA).
Protein change: p.Ser263fs; shifts the reading frame from serine 263.
Molecular consequence: frameshift variant.
Genome position (GRCh38, 1-based): chr13:32,331,024, A duplicated; the last of 2 consecutive A bases (chr13:32,331,023-32,331,024); duplicating either gives the same sequence. VCF-style (leftmost placement, unchanged base first): chr13-32331022-C-CA. GRCh37 (hg19) VCF-style: chr13-32905159-C-CA.
Other names: 1014insA; c.787dupA (NM_000059.3); short protein forms S263fs.
Identifiers: ClinVar variation 162101 (VCV000162101.5), dbSNP rs690016538, ClinGen allele CA273049.